The following is an entry in ClinVar:

ClinVar aggregate classification (germline): Likely pathogenic (1 of 4 stars; one submission).

Conditions:
Aortic aneurysm. Also called: Aortic aneurysm (disease). Identifiers: MedGen C0003486, MONDO:0005160, HP:0004942.

Submission:

Clinical Genetics Laboratory, Skane University Hospital Lund
Classification: Likely pathogenic for Aortic aneurysm. Last evaluated: 2025-02-28. Review status: criteria provided, single submitter. Criteria: ACMG Guidelines, 2015. Collection method: clinical testing. Allele origin: germline. Affected: yes.
Comment: ACMG-criteria used: PS4_Supporting, PM2, PM5, PP3

Literature cited by the submitters: PubMed 37823753.

NM_004612.4(TGFBR1):c.1042T>C (p.Cys348Arg)

Gene: TGFBR1 (transforming growth factor beta receptor 1; plus strand). Cytogenetic location: 9q22.33.
Variant type: single nucleotide variant.
Coding change: c.1042T>C on transcript NM_004612.4 (MANE Select); coding-DNA position 1042, T replaced by C.
Protein change: p.Cys348Arg; replaces cysteine 348 with arginine.
Molecular consequence: missense variant. On other transcripts: non-coding transcript variant (4).
Genome position (GRCh38, 1-based): chr9:99,144,800, T>C. VCF-style: chr9-99144800-T-C. GRCh37 (hg19) VCF-style: chr9-101907082-T-C.
Other names: c.811T>C, p.Cys271Arg (NM_001130916.3, NM_001407435.1); c.1054T>C, p.Cys352Arg (NM_001306210.2); c.886T>C, p.Cys296Arg (NM_001407416.1); c.874T>C, p.Cys292Arg (NM_001407417.1); c.847T>C, p.Cys283Arg (NM_001407418.1, NM_001407419.1, NM_001407420.1 and 1 more transcripts); c.835T>C, p.Cys279Arg (NM_001407430.1, NM_001407432.1, NM_001407433.1 and 8 more transcripts); c.796T>C, p.Cys266Arg (NM_001407436.1); c.334T>C, p.Cys112Arg (NM_001407437.1); and 1 more; short protein forms C112R, C189R, C266R, C271R, C279R, C283R, C292R, C296R.
Identifiers: ClinVar variation 3337667 (VCV003337667.2).
Genomic context (GRCh38, chr9:99,144,800, plus strand): 5'-GCCATTGCTCATAGAGATTTGAAATCAAAGAATATCTTGGTAAAGAAGAATGGAACTTGC[T>C]GTATTGCAGACTTAGGACTGGCAGTAAGACATGATTCAGCCACAGATACCATTGATATTG-3'
Protein context (NP_004603.1, residues 338-358): NILVKKNGTC[Cys348Arg]IADLGLAVRH